The following is an entry in ClinVar:

NM_000388.4(CASR):c.1188A>G (p.Thr396=)

Gene: CASR (calcium sensing receptor; plus strand). Cytogenetic location: 3q21.1.
Variant type: single nucleotide variant.
Coding change: c.1188A>G on transcript NM_000388.4 (MANE Select); coding-DNA position 1188, A replaced by G.
Protein change: p.Thr396=; no amino-acid change (threonine 396 retained).
Molecular consequence: synonymous variant.
Genome position (GRCh38, 1-based): chr3:122,262,223, A>G. VCF-style: chr3-122262223-A-G. GRCh37 (hg19) VCF-style: chr3-121981070-A-G.
Other names: c.1188A>G (NM_001178065.1); c.1188A>G, p.Thr396= (NM_001178065.2).
Identifiers: ClinVar variation 237755 (VCV000237755.27), dbSNP rs200312817, ClinGen allele CA2569608.

ClinVar aggregate classification (germline): Conflicting classifications of pathogenicity. Review status: criteria provided, conflicting classifications (1 of 4 stars). 10 submissions from 7 submitters: Uncertain significance (4); Benign (1); Likely benign (4). 1 of the submissions does not count toward it. Last evaluated 2026-06-01.

Conditions:
Autosomal dominant hypocalcemia 1 (HYPOC1). Also called: HYPOCALCEMIA, FAMILIAL. Identifiers: MedGen C3715128, MONDO:0011013, OMIM 601198.
CASR-related disorder. Also called: CASR-related condition.
Familial hypocalciuric hypercalcemia (FHH). Also called: Familial benign hypercalcemia. Identifiers: Orphanet 405, MedGen C1809471, MONDO:0018458.
Nephrolithiasis/nephrocalcinosis. Identifiers: MedGen CN580796.
Familial hypocalciuric hypercalcemia 1. Also called: Hypercalcemia, familial benign type 1. Identifiers: Orphanet 405, Orphanet 93372, MedGen C0342637, MONDO:0007791, OMIM 145980.
Neonatal severe primary hyperparathyroidism. Identifiers: Orphanet 417, MedGen C1832615, MONDO:0009397, OMIM 239200.
Familial hypoparathyroidism. Also called: Familial isolated hypoparathyroidism. Identifiers: Orphanet 2238, MedGen C1832648, MONDO:0016390.

Allele frequency attached by ClinVar (database versions not stated): TOPMed 0.00006; gnomAD 0.00007 and 0.00008; ESP Exome Variant Server 0.00008; gnomAD exomes 0.00001; ExAC 0.00002.
gnomAD v4.1: 30 of 1,614,230 alleles (0.0019%); highest among the groups gnomAD compares: Middle Eastern, 0.12%; no homozygotes.

Submissions (10):

CeGaT Center for Human Genetics Tuebingen
Classification: Likely benign. Last evaluated: 2026-06-01. Review status: criteria provided, single submitter. Criteria: CeGaT Center For Human Genetics Tuebingen Variant Classification Criteria Version 2. Collection method: clinical testing. Allele origin: germline. Affected: yes. Observed: 1 variant allele.
Comment: CASR: BP4, BP7

Labcorp Genetics (formerly Invitae), Labcorp
Classification: Likely benign for Familial hypocalciuric hypercalcemia; Autosomal dominant hypocalcemia 1. Last evaluated: 2025-11-11. Review status: criteria provided, single submitter. Criteria: Invitae Variant Classification Sherloc (09022015). Collection method: clinical testing. Allele origin: germline.

Blueprint Genetics
Classification: Likely benign. Last evaluated: 2021-01-18. Review status: criteria provided, single submitter. Criteria: ACMG Guidelines, 2015. Collection method: clinical testing. Allele origin: germline.

Revvity Omics, Revvity
Classification: Uncertain significance. Last evaluated: 2019-10-21. Review status: criteria provided, single submitter. Criteria: ACMG Guidelines, 2015. Collection method: clinical testing. Allele origin: germline.

Ambry Genetics
Classification: Likely benign for Nephrolithiasis/nephrocalcinosis. Last evaluated: 2019-09-29. Review status: criteria provided, single submitter. Criteria: Ambry Variant Classification Scheme 2023. Collection method: clinical testing. Allele origin: germline.

Illumina Laboratory Services, Illumina
Classification: Uncertain significance for Autosomal dominant hypocalcemia 1. Last evaluated: 2018-01-12. Review status: criteria provided, single submitter. Criteria: ICSL Variant Classification Criteria 13 December 2019. Collection method: clinical testing. Allele origin: germline.

Illumina Laboratory Services, Illumina
Classification: Uncertain significance for Neonatal severe primary hyperparathyroidism. Last evaluated: 2018-01-12. Review status: criteria provided, single submitter. Criteria: ICSL Variant Classification Criteria 13 December 2019. Collection method: clinical testing. Allele origin: germline.

Illumina Laboratory Services, Illumina
Classification: Benign for Familial isolated hypoparathyroidism. Last evaluated: 2018-01-12. Review status: criteria provided, single submitter. Criteria: ICSL Variant Classification Criteria 13 December 2019. Collection method: clinical testing. Allele origin: germline.
Comment: This variant was observed in the ICSL laboratory as part of a predisposition screen in an ostensibly healthy population. It had not been previously curated by ICSL or reported in the Human Gene Mutation Database (HGMD: prior to June 1st, 2018), and was therefore a candidate for classification through an automated scoring system. Utilizing variant allele frequency, disease prevalence and penetrance estimates, and inheritance mode, an automated score was calculated to assess if this variant is too frequent to cause the disease. Based on the score and internal cut-off values, a variant classified as benign is not then subjected to further curation. The score for this variant resulted in a classification of benign for this disease.

Illumina Laboratory Services, Illumina
Classification: Uncertain significance for Familial hypocalciuric hypercalcemia 1. Last evaluated: 2018-01-12. Review status: criteria provided, single submitter. Criteria: ICSL Variant Classification Criteria 13 December 2019. Collection method: clinical testing. Allele origin: germline.

PreventionGenetics, part of Exact Sciences
Classification: Likely benign for CASR-related condition. Last evaluated: 2019-09-19. Review status: no assertion criteria provided. Collection method: clinical testing. Allele origin: germline. Not counted in ClinVar's aggregate classification.
Comment: This variant is classified as likely benign based on ACMG/AMP sequence variant interpretation guidelines (Richards et al. 2015 PMID: 25741868, with internal and published modifications).